The following is an entry in ClinVar:

NM_020937.4(FANCM):c.2071C>G (p.Leu691Val)

Gene: FANCM (FA complementation group M; plus strand). Cytogenetic location: 14q21.2.
Variant type: single nucleotide variant.
Coding change: c.2071C>G on transcript NM_020937.4 (MANE Select); coding-DNA position 2071, C replaced by G.
Protein change: p.Leu691Val; replaces leucine 691 with valine.
Molecular consequence: missense variant.
Genome position (GRCh38, 1-based): chr14:45,170,657, C>G. VCF-style: chr14-45170657-C-G. GRCh37 (hg19) VCF-style: chr14-45639860-C-G.
Other names: c.1993C>G, p.Leu665Val (NM_001308133.2); short protein forms L665V, L691V.
Identifiers: ClinVar variation 3848822 (VCV003848822.1).
Genomic context (GRCh38, chr14:45,170,657, plus strand): 5'-CAAAGTAGCCTAAAGAAAGATTGGTTCTTATCAGAAGAAGAATTTAAATTATGGAACAGA[C>G]TTTATAGATTAAGGGACAGTGATGAAATTAAAGAGATAACATTGCCTCAAGTTCAGTTTT-3'
Protein context (NP_065988.1, residues 681-701): SEEEFKLWNR[Leu691Val]YRLRDSDEIK

ClinVar aggregate classification (germline): Uncertain significance (1 of 4 stars; one submission).

Conditions:
Inborn genetic diseases. Identifiers: MedGen C0950123, MeSH D030342.

Submission:

Ambry Genetics
Classification: Uncertain significance for Inborn genetic diseases. Last evaluated: 2025-03-14. Review status: criteria provided, single submitter. Criteria: Ambry Variant Classification Scheme 2023. Collection method: clinical testing. Allele origin: germline.
Comment: The p.L691V variant (also known as c.2071C>G), located in coding exon 12 of the FANCM gene, results from a C to G substitution at nucleotide position 2071. The leucine at codon 691 is replaced by valine, an amino acid with highly similar properties. This amino acid position is conserved. In addition, this alteration is predicted to be tolerated by in silico analysis. Based on the available evidence, the clinical significance of this variant remains unclear.